The following is an entry in ClinVar:

NM_004408.4(DNM1):c.2560C>T (p.Arg854Cys)

Gene: DNM1 (dynamin 1; plus strand). Cytogenetic location: 9q34.11.
Variant type: single nucleotide variant.
Coding change: c.2560C>T on transcript NM_004408.4 (MANE Select); coding-DNA position 2560, C replaced by T.
Protein change: p.Arg854Cys; replaces arginine 854 with cysteine.
Molecular consequence: missense variant. On other transcripts: 3 prime UTR variant (3).
Genome position (GRCh38, 1-based): chr9:128,254,679, C>T. VCF-style: chr9-128254679-C-T. GRCh37 (hg19) VCF-style: chr9-131016958-C-T.
Other names: c.*41C>T (NM_001005336.3, NM_001288737.2); c.*686C>T (NM_001288738.2); c.2560C>T, p.Arg854Cys (NM_001288739.2); short protein forms R854C.
Identifiers: ClinVar variation 589826 (VCV000589826.5), dbSNP rs757501966, ClinGen allele CA5258496.
Genomic context (GRCh38, chr9:128,254,679, plus strand): 5'-TCCCGTTTTCTCTCTGCTTTCTCTCCAACTGCCAGCCGATCGGGTCAGGCAAGTCCATCC[C>T]GTCCTGAGAGCCCCAGGCCCCCCTTCGACCTCTAAACAGATCCCTCCTCTTCTCGGAGAC-3'
Protein context (NP_004399.2, residues 844-864): PSRSGQASPS[Arg854Cys]PESPRPPFDL

ClinVar aggregate classification (germline): Uncertain significance (1 of 4 stars; one submission).

Conditions:
Inborn genetic diseases. Identifiers: MedGen C0950123, MeSH D030342.

Allele frequency attached by ClinVar (database versions not stated): gnomAD exomes below 0.00001 and 0.00001; TOPMed below 0.00001; gnomAD 0.00001; ExAC 0.00002.

Submission:

Ambry Genetics
Classification: Uncertain significance for Inborn genetic diseases. Last evaluated: 2016-06-07. Review status: criteria provided, single submitter. Criteria: Ambry Variant Classification Scheme 2023. Collection method: clinical testing. Allele origin: germline.
Comment: The p.R854C variant (also known as c.2560C>T), located in coding exon 22 of the DNM1 gene, results from a C to T substitution at nucleotide position 2560. The arginine at codon 854 is replaced by cysteine, an amino acid with highly dissimilar properties. This variant was not reported in population based cohorts in the following databases: Database of Single Nucleotide Polymorphisms (dbSNP), NHLBI Exome Sequencing Project (ESP), and 1000 Genomes Project. In the ESP, this variant was not observed in 3730 samples (7460 alleles) with coverage at this position. This amino acid position is well conserved in available vertebrate species. In addition, the in silico prediction for this alteration is inconclusive. Since supporting evidence is limited at this time, the clinical significance of this variant remains unclear.